The following is an entry in ClinVar:

ClinVar aggregate classification (germline): Pathogenic (1 of 4 stars; one submission).

Submission:

Labcorp Genetics (formerly Invitae), Labcorp
Classification: Pathogenic. Last evaluated: 2023-10-11. Review status: criteria provided, single submitter. Criteria: Invitae Variant Classification Sherloc (09022015). Collection method: clinical testing. Allele origin: germline.
Comment: This variant is a gross deletion of the genomic region encompassing exon(s) 1-33 of the IARS gene, which includes the initiator codon. This deletion extends beyond the assayed region for this gene and therefore may encompass additional genes. It is expected to result in an absent or disrupted protein product. Loss-of-function variants in IARS are known to be pathogenic (PMID: 27426735, 27891590). This variant has not been reported in the literature in individuals affected with IARS-related conditions. For these reasons, this variant has been classified as Pathogenic.

Literature cited by the submitters: PubMed 27426735; PubMed 27891590.

NC_000009.11:g.(?_95007241)_(95237179_?)del

Genes: ASPN (asporin; minus strand), CENPP (centromere protein P; plus strand), IARS1 (isoleucyl-tRNA synthetase 1; minus strand), NOL8 (nucleolar protein 8; minus strand), OGN (osteoglycin; minus strand) and 1 more. Cytogenetic location: 9q22.31.
Variant type: Deletion.
Identifiers: ClinVar variation 1073961 (VCV001073961.6).